The following is an entry in ClinVar:

ClinVar aggregate classification (germline): Pathogenic. Review status: criteria provided, multiple submitters, no conflicts (2 of 4 stars). 2 submissions from 2 submitters: Pathogenic (2). Last evaluated 2020-04-08.

Conditions:
Hereditary cancer-predisposing syndrome. Also called: Neoplastic Syndromes, Hereditary; Hereditary Cancer Syndrome; Tumor predisposition; Hereditary neoplastic syndrome. Identifiers: Orphanet 140162, MedGen C0027672, MeSH D009386, MONDO:0015356.

Submissions (2):

Ambry Genetics
Classification: Pathogenic for Hereditary cancer-predisposing syndrome. Last evaluated: 2020-04-08. Review status: criteria provided, single submitter. Criteria: Ambry Variant Classification Scheme 2023. Collection method: clinical testing. Allele origin: germline.
Comment: The c.3311delG pathogenic mutation, located in coding exon 12 of the PALB2 gene, results from a deletion of one nucleotide at nucleotide position 3311, causing a translational frameshift with a predicted alternate stop codon (p.G1104Vfs*2). This alteration was detected in a cohort of 8085 consecutive unselected Chinese breast cancer patients who underwent multi-gene panel testing. (Sun J et al. Clin. Cancer Res., 2017 Oct;23:6113-6119). In addition to the clinical data presented in the literature, this alteration is expected to result in loss of function by premature protein truncation. As such, this alteration is interpreted as a disease-causing mutation.

GeneDx
Classification: Pathogenic. Last evaluated: 2015-06-04. Review status: criteria provided, single submitter. Criteria: GeneDx Variant Classification (06012015). Collection method: clinical testing. Allele origin: germline. Affected: yes.
Comment: This deletion of one nucleotide in PALB2 is denoted c.3311delG at the cDNA level and p.Gly1104ValfsX2 (G1104VfsX2) at the protein level. The normal sequence, with the base that is deleted in braces, is GTGG[G]TGTG. The deletion causes a frameshift, which changes a Glycine to a Valine at codon 1104, and creates a premature stop codon at position 2 of the new reading frame. Even though this frameshift occurs in the last exon of the gene, it is significant since the last 83 correct amino acids are lost; furthermore, truncating mutations downstream of this one have been identified in other breast/pancreatic families (Rahman 2007, Peterlongo 2011). This variant is predicted to cause loss of normal protein function through protein truncation. we consider this variant to be pathogenic.

Literature cited by the submitters: PubMed 28724667 (cited by Ambry Genetics).

NM_024675.4(PALB2):c.3311del (p.Gly1104fs)

Gene: PALB2 (partner and localizer of BRCA2; minus strand). Cytogenetic location: 16p12.2.
Variant type: Deletion.
Coding change: c.3311del on transcript NM_024675.4 (MANE Select); coding-DNA position 3311, one base deleted (G; older notation c.3311delG).
Protein change: p.Gly1104fs; shifts the reading frame from glycine 1104.
Molecular consequence: frameshift variant.
Genome position (GRCh38, 1-based): chr16:23,607,903, C deleted on the plus strand (G on the coding strand, the reverse complement: PALB2 is on the minus strand); the first of 3 consecutive C bases (chr16:23,607,903-23,607,905); deleting any one gives the same sequence. VCF-style (leftmost placement, unchanged base first): chr16-23607902-AC-A. GRCh37 (hg19) VCF-style: chr16-23619223-AC-A.
Other names: c.3311delG (NM_024675.3); short protein forms G1104fs.
Identifiers: ClinVar variation 402307 (VCV000402307.6), dbSNP rs1060499828, ClinGen allele CA16609587.